The following is an entry in ClinVar:

ClinVar aggregate classification (germline): Uncertain significance (1 of 4 stars; one submission).

Allele frequency attached by ClinVar (database versions not stated): gnomAD exomes below 0.00001; ExAC 0.00001; gnomAD 0.00001; TOPMed 0.00001.
gnomAD v4.1: 2 of 1,614,034 alleles (0.00012%); highest among the groups gnomAD compares: Admixed American, 0.0017%; no homozygotes.

Submission:

Women's Health and Genetics/Laboratory Corporation of America, LabCorp
Classification: Uncertain significance. Last evaluated: 2024-02-02. Review status: criteria provided, single submitter. Criteria: LabCorp Variant Classification Summary - May 2015. Collection method: clinical testing. Allele origin: germline.
Comment: Variant summary: FAM111A c.352A>G (p.Ile118Val) results in a conservative amino acid change in the encoded protein sequence. Five of five in-silico tools predict a benign effect of the variant on protein function. The variant allele was found at a frequency of 4e-06 in 251208 control chromosomes. The available data on variant occurrences in the general population are insufficient to allow any conclusion about variant significance. To our knowledge, no occurrence of c.352A>G in individuals affected with Autosomal Dominant Kenny-Caffey Syndrome and no experimental evidence demonstrating its impact on protein function have been reported. No submitters have cited clinical-significance assessments for this variant to ClinVar. Based on the evidence outlined above, the variant was classified as uncertain significance.

NM_001312909.2(FAM111A):c.352A>G (p.Ile118Val)

Gene: FAM111A (FAM111 trypsin like peptidase A; plus strand). Cytogenetic location: 11q12.1.
Variant type: single nucleotide variant.
Coding change: c.352A>G on transcript NM_001312909.2 (MANE Select); coding-DNA position 352, A replaced by G.
Protein change: p.Ile118Val; replaces isoleucine 118 with valine.
Molecular consequence: missense variant.
Genome position (GRCh38, 1-based): chr11:59,152,020, A>G. VCF-style: chr11-59152020-A-G. GRCh37 (hg19) VCF-style: chr11-58919493-A-G.
Other names: c.352A>G, p.Ile118Val (NM_001142519.3, NM_001142520.3, NM_001142521.3 and 29 more transcripts); short protein forms I118V.
Identifiers: ClinVar variation 3068755 (VCV003068755.2), dbSNP rs776659851, ClinGen allele CA6016558.